The following is an entry in ClinVar:

ClinVar aggregate classification (germline): Uncertain significance. Review status: criteria provided, multiple submitters, no conflicts (2 of 4 stars). 2 submissions from 2 submitters: Uncertain significance (2). Last evaluated 2026-01-12.

Conditions:
Hereditary cancer-predisposing syndrome. Also called: Hereditary Cancer Syndrome; Neoplastic Syndromes, Hereditary; Tumor predisposition; Hereditary neoplastic syndrome. Identifiers: Orphanet 140162, MedGen C0027672, MeSH D009386, MONDO:0015356.
EGFR-related lung cancer (EGFR). Identifiers: MedGen CN130014.

Allele frequency attached by ClinVar (database versions not stated): ExAC 0.00002.
gnomAD v4.1: 5 of 1,613,772 alleles (0.00031%); highest among the groups gnomAD compares: East Asian, 0.0089%; no homozygotes.

Submissions (2):

Ambry Genetics
Classification: Uncertain significance for Hereditary cancer-predisposing syndrome. Last evaluated: 2026-01-12. Review status: criteria provided, single submitter. Criteria: Ambry Variant Classification Scheme 2023. Collection method: clinical testing. Allele origin: germline.
Comment: The p.L666F variant (also known as c.1996C>T), located in coding exon 17 of the EGFR gene, results from a C to T substitution at nucleotide position 1996. The leucine at codon 666 is replaced by phenylalanine, an amino acid with highly similar properties. This amino acid position is well conserved in available vertebrate species. In addition, the in silico prediction for this alteration is inconclusive. Based on the available evidence, the clinical significance of this variant remains unclear.

Labcorp Genetics (formerly Invitae), Labcorp
Classification: Uncertain significance for EGFR-related lung cancer. Last evaluated: 2024-06-21. Review status: criteria provided, single submitter. Criteria: Invitae Variant Classification Sherloc (09022015). Collection method: clinical testing. Allele origin: germline.
Comment: This sequence change replaces leucine, which is neutral and non-polar, with phenylalanine, which is neutral and non-polar, at codon 666 of the EGFR protein (p.Leu666Phe). This variant is present in population databases (rs771988878, gnomAD 0.01%). This variant has not been reported in the literature in individuals affected with EGFR-related conditions. ClinVar contains an entry for this variant (Variation ID: 1045931). Advanced modeling of protein sequence and biophysical properties (such as structural, functional, and spatial information, amino acid conservation, physicochemical variation, residue mobility, and thermodynamic stability) performed at Invitae indicates that this missense variant is not expected to disrupt EGFR protein function with a negative predictive value of 80%. In summary, the available evidence is currently insufficient to determine the role of this variant in disease. Therefore, it has been classified as a Variant of Uncertain Significance.

NM_005228.5(EGFR):c.1996C>T (p.Leu666Phe)

Gene: EGFR (epidermal growth factor receptor; plus strand). Cytogenetic location: 7p11.2.
Variant type: single nucleotide variant.
Coding change: c.1996C>T on transcript NM_005228.5 (MANE Select); coding-DNA position 1996, C replaced by T.
Protein change: p.Leu666Phe; replaces leucine 666 with phenylalanine.
Molecular consequence: missense variant.
Genome position (GRCh38, 1-based): chr7:55,173,059, C>T. VCF-style: chr7-55173059-C-T. GRCh37 (hg19) VCF-style: chr7-55240752-C-T.
Other names: c.1861C>T, p.Leu621Phe (NM_001346897.2, NM_001346899.2); c.1996C>T, p.Leu666Phe (NM_001346898.2); c.1837C>T, p.Leu613Phe (NM_001346900.2); c.1195C>T, p.Leu399Phe (NM_001346941.2); c.1996C>T (NM_005228.3); short protein forms L621F, L666F, L399F, L613F.
Identifiers: ClinVar variation 1045931 (VCV001045931.9), dbSNP rs771988878, ClinGen allele CA4265932.